The following is an entry in ClinVar:

NM_024989.4(PGAP1):c.781C>T (p.His261Tyr)

Gene: PGAP1 (post-GPI attachment to proteins inositol deacylase 1; minus strand). Cytogenetic location: 2q33.1.
Variant type: single nucleotide variant.
Coding change: c.781C>T on transcript NM_024989.4 (MANE Select); coding-DNA position 781, C replaced by T.
Protein change: p.His261Tyr; replaces histidine 261 with tyrosine.
Molecular consequence: missense variant. On other transcripts: 5 prime UTR variant (1).
Genome position (GRCh38, 1-based): chr2:196,902,611, G>A on the plus strand (C>T on the coding strand, the complement: PGAP1 is on the minus strand). VCF-style: chr2-196902611-G-A. GRCh37 (hg19) VCF-style: chr2-197767335-G-A.
Other names: c.259C>T, p.His87Tyr (NM_001321099.2); c.-331C>T (NM_001321100.2); short protein forms H261Y, H87Y.
Identifiers: ClinVar variation 2238379 (VCV002238379.3), dbSNP rs759213337, ClinGen allele CA2041124.

ClinVar aggregate classification (germline): Uncertain significance. Review status: criteria provided, multiple submitters, no conflicts (2 of 4 stars). 2 submissions from 2 submitters: Uncertain significance (2). Last evaluated 2025-11-23.

Conditions:
Inborn genetic diseases. Identifiers: MedGen C0950123, MeSH D030342.
Intellectual disability, autosomal recessive 42 (NEDDSBA). Also called: GLYCOSYLPHOSPHATIDYLINOSITOL BIOSYNTHESIS DEFECT 9; Neurodevelopmental disorder with dysmorphic features, spasticity, and brain abnormalities. Identifiers: Orphanet 88616, MedGen C4014343, MONDO:0014348, OMIM 615802.

Allele frequency attached by ClinVar (database versions not stated): gnomAD 0.00002; gnomAD exomes 0.00002; TOPMed 0.00002; ExAC 0.00004.

Submissions (2):

Labcorp Genetics (formerly Invitae), Labcorp
Classification: Uncertain significance for Intellectual disability, autosomal recessive 42. Last evaluated: 2025-11-23. Review status: criteria provided, single submitter. Criteria: Invitae Variant Classification Sherloc (09022015). Collection method: clinical testing. Allele origin: germline.
Comment: This sequence change replaces histidine, which is basic and polar, with tyrosine, which is neutral and polar, at codon 261 of the PGAP1 protein (p.His261Tyr). This variant is present in population databases (rs759213337, gnomAD 0.007%). This variant has not been reported in the literature in individuals affected with PGAP1-related conditions. ClinVar contains an entry for this variant (Variation ID: 2238379). Invitae Evidence Modeling of protein sequence and biophysical properties (such as structural, functional, and spatial information, amino acid conservation, physicochemical variation, residue mobility, and thermodynamic stability) indicates that this missense variant is not expected to disrupt PGAP1 protein function with a negative predictive value of 80%. In summary, the available evidence is currently insufficient to determine the role of this variant in disease. Therefore, it has been classified as a Variant of Uncertain Significance.

Ambry Genetics
Classification: Uncertain significance for Inborn genetic diseases. Last evaluated: 2021-07-20. Review status: criteria provided, single submitter. Criteria: Ambry Variant Classification Scheme 2023. Collection method: clinical testing. Allele origin: germline.